The following is an entry in ClinVar:

NC_000014.8:g.(?_35182051)_(35183766_?)dup

Genes: CFL2 (cofilin 2; minus strand), LOC130055475 (ATAC-STARR-seq lymphoblastoid silent region 5668; plus strand), LOC130055474 (ATAC-STARR-seq lymphoblastoid silent region 5667; plus strand). Cytogenetic location: 14q13.1.
Variant type: Duplication.
Identifiers: ClinVar variation 583711 (VCV000583711.10).

ClinVar aggregate classification (germline): Uncertain significance (1 of 4 stars; one submission).

Conditions:
Nemaline myopathy 7 (NEM7). Also called: Nemaline myopathy 7, autosomal recessive. Identifiers: Orphanet 171436, MedGen C1853154, MONDO:0012538, OMIM 610687.

Submission:

Labcorp Genetics (formerly Invitae), Labcorp
Classification: Uncertain significance for Nemaline myopathy 7. Last evaluated: 2022-06-04. Review status: criteria provided, single submitter. Criteria: Invitae Variant Classification Sherloc (09022015). Collection method: clinical testing. Allele origin: germline.
Comment: A copy number gain of the genomic region encompassing the full coding sequence of the CFL2 gene has been identified. The boundaries of this event are unknown as they extend beyond the assayed region for this gene and therefore may encompass additional genes. As the precise location of this event is unknown, it may be in tandem or it may be located elsewhere in the genome. This variant has not been reported in the literature in individuals affected with CFL2-related conditions. In summary, the available evidence is currently insufficient to determine the role of this variant in disease. Therefore, it has been classified as a Variant of Uncertain Significance.